The following is an entry in ClinVar:

NM_024570.4(RNASEH2B):c.476del (p.Ser159fs)

Gene: RNASEH2B (ribonuclease H2 subunit B; plus strand). Cytogenetic location: 13q14.3.
Variant type: Deletion.
Coding change: c.476del on transcript NM_024570.4 (MANE Select); coding-DNA position 476, one base deleted (G; older notation c.476delG).
Protein change: p.Ser159fs; shifts the reading frame from serine 159.
Molecular consequence: frameshift variant.
Genome position (GRCh38, 1-based): chr13:50,943,360, G deleted. VCF-style (leftmost placement, unchanged base first): chr13-50943359-AG-A. GRCh37 (hg19) VCF-style: chr13-51517495-AG-A.
Other names: c.476del, p.Ser159fs (NM_001142279.2); short protein forms S159fs.
Identifiers: ClinVar variation 1451862 (VCV001451862.6), dbSNP rs2137982729, ClinGen allele CA2573149684.

ClinVar aggregate classification (germline): Pathogenic (1 of 4 stars; one submission).

Conditions:
Aicardi-Goutieres syndrome 2. Identifiers: Orphanet 51, MedGen C3489724, MONDO:0012429, OMIM 610181.

Submission:

Labcorp Genetics (formerly Invitae), Labcorp
Classification: Pathogenic for Aicardi-Goutieres syndrome 2. Last evaluated: 2024-01-31. Review status: criteria provided, single submitter. Criteria: Invitae Variant Classification Sherloc (09022015). Collection method: clinical testing. Allele origin: germline.
Comment: This sequence change creates a premature translational stop signal (p.Ser159Thrfs*6) in the RNASEH2B gene. It is expected to result in an absent or disrupted protein product. Loss-of-function variants in RNASEH2B are known to be pathogenic (PMID: 17846997). This variant is not present in population databases (gnomAD no frequency). This variant has not been reported in the literature in individuals affected with RNASEH2B-related conditions. ClinVar contains an entry for this variant (Variation ID: 1451862). For these reasons, this variant has been classified as Pathogenic.

Literature cited by the submitters: PubMed 17846997.